The following is an entry in ClinVar:

ClinVar aggregate classification (germline): Uncertain significance. Review status: criteria provided, multiple submitters, no conflicts (2 of 4 stars). 2 submissions from 2 submitters: Uncertain significance (2). Last evaluated 2022-08-08.

Conditions:
Cardiovascular phenotype. Identifiers: MedGen CN230736.

Submissions (2):

Ambry Genetics
Classification: Uncertain significance for Cardiovascular phenotype. Last evaluated: 2022-08-08. Review status: criteria provided, single submitter. Criteria: Ambry Variant Classification Scheme 2023. Collection method: clinical testing. Allele origin: germline.
Comment: The c.1176_1184dupGGGTGCTGC variant (also known as p.G393_A395dup), located in coding exon 6 of the TTN gene, results from an in-frame duplication of GGGTGCTGC at nucleotide positions 1176 to 1184. This results in the duplication of 3 extra residues (GAA) between codons 393 and 395. This amino acid position is not well conserved in available vertebrate species. Since supporting evidence is limited at this time, the clinical significance of this alteration remains unclear.

CeGaT Center for Human Genetics Tuebingen
Classification: Uncertain significance. Last evaluated: 2016-06-01. Review status: criteria provided, single submitter. Criteria: CeGaT Center For Human Genetics Tuebingen Variant Classification Criteria Version 2. Collection method: clinical testing. Allele origin: germline. Affected: yes. Observed: 1 variant allele.

NM_001267550.2(TTN):c.1176_1184dup (p.390GAA[3])

Gene: TTN (titin; minus strand). Cytogenetic location: 2q31.2.
Variant type: Duplication.
Coding change: c.1176_1184dup on transcript NM_001267550.2 (MANE Select); coding-DNA positions 1176 to 1184, 9 bases duplicated (GGGTGCTGC; older notation c.1176_1184dupGGGTGCTGC).
Protein change: p.390GAA[3].
Molecular consequence: inframe insertion.
Genome position (GRCh38, 1-based): chr2:178,794,983-178,794,991, GCAGCACCC duplicated on the plus strand (GGGTGCTGC on the coding strand, the reverse complement: TTN is on the minus strand); duplicating any 9 consecutive bases within chr2:178,794,983-178,794,999 gives the same sequence; the c. name uses the placement nearest the transcript's 3' end. VCF-style (leftmost placement, unchanged base first): chr2-178794982-G-GGCAGCACCC. GRCh37 (hg19) VCF-style: chr2-179659709-G-GGCAGCACCC.
Other names: c.1176_1184dupGGGTGCTGC (NM_003319.4); c.1176_1184dup, p.390GAA[3] (NM_001256850.1, NM_003319.4, NM_133378.4 and 3 more transcripts).
Identifiers: ClinVar variation 809109 (VCV000809109.44), dbSNP rs1574927808, ClinGen allele CA915942207.
Genomic context (GRCh38, chr2:178,794,982, plus strand): 5'-CTCTTTAGCACCAGTGGCAACAGCCTCTGCTGCGTAGCTAGCACTGGCCGACACACTGGC[G>GGCAGCACCC]GCAGCACCCGCAGCACCACTGATGGTCACTTGCTCCTGGACACCGTATCTCCCTTCCCAT-3'